The following is an entry in ClinVar:

NM_000138.5(FBN1):c.7606G>C (p.Gly2536Arg)

Gene: FBN1 (fibrillin 1; minus strand). Cytogenetic location: 15q21.1.
Variant type: single nucleotide variant.
Coding change: c.7606G>C on transcript NM_000138.5 (MANE Select); coding-DNA position 7606, G replaced by C.
Protein change: p.Gly2536Arg; replaces glycine 2536 with arginine.
Molecular consequence: missense variant.
Genome position (GRCh38, 1-based): chr15:48,421,651, C>G on the plus strand (G>C on the coding strand, the complement: FBN1 is on the minus strand). VCF-style: chr15-48421651-C-G. GRCh37 (hg19) VCF-style: chr15-48713848-C-G.
Other names: c.7606G>C, p.Gly2536Arg (NM_001406716.1); short protein forms G2536R.
Identifiers: ClinVar variation 5018093 (VCV005018093.1).

ClinVar aggregate classification (germline): Uncertain significance (1 of 4 stars; one submission).

Submission:

GeneDx
Classification: Uncertain significance. Last evaluated: 2026-04-01. Review status: criteria provided, single submitter. Criteria: GeneDx Variant Classification Process June 2021. Collection method: clinical testing. Allele origin: germline.
Comment: Not observed at significant frequency in large population cohorts (gnomAD); In silico analysis supports that this missense variant has a deleterious effect on protein structure/function; Does not affect a cysteine or calcium-binding residue within an EGF-like domain or a TGF-binding protein domain of the FBN1 gene; cysteine substitutions in the EGF-like domains represent the majority of pathogenic missense changes associated with FBN1-related disorders (PMID: 12938084); Has not been previously published as pathogenic or benign to our knowledge; This variant is associated with the following publications: (PMID: 12938084)